The following is an entry in ClinVar:

ClinVar aggregate classification (germline): Uncertain significance (1 of 4 stars; one submission).

Allele frequency attached by ClinVar (database versions not stated): gnomAD exomes below 0.00001.

Submission:

GeneDx
Classification: Uncertain significance. Last evaluated: 2020-11-19. Review status: criteria provided, single submitter. Criteria: GeneDx Variant Classification Process June 2021. Collection method: clinical testing. Allele origin: germline. Affected: yes.
Comment: Not observed in large population cohorts (Lek et al., 2016); In silico analysis supports that this missense variant has a deleterious effect on protein structure/function; Has not been previously published as pathogenic or benign to our knowledge

NM_003047.5(SLC9A1):c.1019T>C (p.Met340Thr)

Gene: SLC9A1 (solute carrier family 9 member A1; minus strand). Cytogenetic location: 1p36.11.
Variant type: single nucleotide variant.
Coding change: c.1019T>C on transcript NM_003047.5 (MANE Select); coding-DNA position 1019, T replaced by C.
Protein change: p.Met340Thr; replaces methionine 340 with threonine.
Molecular consequence: missense variant. On other transcripts: non-coding transcript variant (1).
Genome position (GRCh38, 1-based): chr1:27,109,572, A>G on the plus strand (T>C on the coding strand, the complement: SLC9A1 is on the minus strand). VCF-style: chr1-27109572-A-G. GRCh37 (hg19) VCF-style: chr1-27436063-A-G.
Other names: short protein forms M340T.
Identifiers: ClinVar variation 1304007 (VCV001304007.2), dbSNP rs2124146442, ClinGen allele CA339187146.